The following is an entry in ClinVar:

ClinVar aggregate classification (germline): Uncertain significance. Review status: criteria provided, multiple submitters, no conflicts (2 of 4 stars). 2 submissions from 2 submitters: Uncertain significance (2). Last evaluated 2024-09-16.

Conditions:
Inborn genetic diseases. Identifiers: MedGen C0950123, MeSH D030342.
Autosomal recessive severe congenital neutropenia due to CSF3R deficiency. Also called: Neutropenia, severe congenital, 7, autosomal recessive. Identifiers: Orphanet 420702, MedGen C4310764, MONDO:0014865, OMIM 617014.

Allele frequency attached by ClinVar (database versions not stated): gnomAD 0.00002; TOPMed 0.00002.
gnomAD v4.1: 3 of 1,607,568 alleles (0.00019%); highest among the groups gnomAD compares: African/African-American, 0.004%; no homozygotes.

Submissions (2):

Labcorp Genetics (formerly Invitae), Labcorp
Classification: Uncertain significance for Autosomal recessive severe congenital neutropenia due to CSF3R deficiency. Last evaluated: 2024-09-16. Review status: criteria provided, single submitter. Criteria: Invitae Variant Classification Sherloc (09022015). Collection method: clinical testing. Allele origin: germline.
Comment: This sequence change replaces methionine, which is neutral and non-polar, with valine, which is neutral and non-polar, at codon 235 of the CSF3R protein (p.Met235Val). This variant is present in population databases (no rsID available, gnomAD 0.02%). This variant has not been reported in the literature in individuals affected with CSF3R-related conditions. ClinVar contains an entry for this variant (Variation ID: 2558059). Invitae Evidence Modeling of protein sequence and biophysical properties (such as structural, functional, and spatial information, amino acid conservation, physicochemical variation, residue mobility, and thermodynamic stability) indicates that this missense variant is not expected to disrupt CSF3R protein function with a negative predictive value of 80%. In summary, the available evidence is currently insufficient to determine the role of this variant in disease. Therefore, it has been classified as a Variant of Uncertain Significance.

Ambry Genetics
Classification: Uncertain significance for Inborn genetic diseases. Last evaluated: 2023-06-06. Review status: criteria provided, single submitter. Criteria: Ambry Variant Classification Scheme 2023. Collection method: clinical testing. Allele origin: germline.

NM_000760.4(CSF3R):c.703A>G (p.Met235Val)

Gene: CSF3R (colony stimulating factor 3 receptor; minus strand). Cytogenetic location: 1p34.3.
Variant type: single nucleotide variant.
Coding change: c.703A>G on transcript NM_000760.4 (MANE Select); coding-DNA position 703, A replaced by G.
Protein change: p.Met235Val; replaces methionine 235 with valine.
Molecular consequence: missense variant.
Genome position (GRCh38, 1-based): chr1:36,472,657, T>C on the plus strand (A>G on the coding strand, the complement: CSF3R is on the minus strand). VCF-style: chr1-36472657-T-C. GRCh37 (hg19) VCF-style: chr1-36938258-T-C.
Other names: c.703A>G, p.Met235Val (NM_156039.3, NM_172313.3); short protein forms M235V.
Identifiers: ClinVar variation 2558059 (VCV002558059.4), dbSNP rs1427240637, ClinGen allele CA339423234.
Genomic context (GRCh38, chr1:36,472,657, plus strand): 5'-GCTCCCAGCACAGCTGTAGGCAGCCTGCCTGGGGAGGGGCCGCTTCAGGGCTGGGGTCCA[T>C]GGTCCGCAGCATGGGGGGCTCCAGTTTCACTGCAAGGAGTGGGGCTGTCAGAAGGTCTCC-3'
Protein context (NP_000751.1, residues 225-245): VKLEPPMLRT[Met235Val]DPSPEAAPPQ